The following is an entry in ClinVar:

NM_005559.4(LAMA1):c.4026T>G (p.Val1342=)

Gene: LAMA1 (laminin subunit alpha 1; minus strand). Cytogenetic location: 18p11.31.
Variant type: single nucleotide variant.
Coding change: c.4026T>G on transcript NM_005559.4 (MANE Select); coding-DNA position 4026, T replaced by G.
Protein change: p.Val1342=; no amino-acid change (valine 1342 retained).
Molecular consequence: synonymous variant.
Genome position (GRCh38, 1-based): chr18:7,008,584, A>C on the plus strand (T>G on the coding strand, the complement: LAMA1 is on the minus strand). VCF-style: chr18-7008584-A-C. GRCh37 (hg19) VCF-style: chr18-7008583-A-C.
Other names: p.Val1342=; c.4026T>G (NM_005559.3).
Identifiers: ClinVar variation 1300106 (VCV001300106.14), dbSNP rs73938538, ClinGen allele CA8882060.

ClinVar aggregate classification (germline): Benign. Review status: criteria provided, multiple submitters, no conflicts (2 of 4 stars). 5 submissions from 5 submitters: Benign (5). Last evaluated 2026-02-01.

Conditions:
Ataxia - intellectual disability - oculomotor apraxia - cerebellar cysts syndrome. Also called: Poretti-Boltshauser syndrome. Identifiers: Orphanet 370022, MedGen C4014821, MONDO:0014419, OMIM 615960.

Allele frequency attached by ClinVar (database versions not stated): gnomAD exomes 0.12248; ExAC 0.12488; TOPMed 0.16428; 1000 Genomes Project 0.17173; 1000 Genomes Project 30x 0.17708; gnomAD 0.15394 and 0.15758; ESP Exome Variant Server 0.15616.
gnomAD v4.1: 169,900 of 1,612,296 alleles (11%); highest among the groups gnomAD compares: African/African-American, 30%; 10,731 homozygotes.

Submissions (6):

Labcorp Genetics (formerly Invitae), Labcorp
Classification: Benign. Last evaluated: 2026-02-01. Review status: criteria provided, single submitter. Criteria: Invitae Variant Classification Sherloc (09022015). Collection method: clinical testing. Allele origin: germline.

Mayo Clinic Laboratories, Mayo Clinic
Classification: Benign. Last evaluated: 2023-03-24. Review status: criteria provided, single submitter. Criteria: ACMG Guidelines, 2015. Collection method: clinical testing. Allele origin: germline. Observed: 103 variant alleles.
Comment: BA1

Genome-Nilou Lab
Classification: Benign for Ataxia - intellectual disability - oculomotor apraxia - cerebellar cysts syndrome. Last evaluated: 2021-08-19. Review status: criteria provided, single submitter. Criteria: ACMG Guidelines, 2015. Collection method: clinical testing. Allele origin: germline. Affected: no.

GeneDx
Classification: Benign. Last evaluated: 2021-07-13. Review status: criteria provided, single submitter. Criteria: GeneDx Variant Classification Process June 2021. Collection method: clinical testing. Allele origin: germline. Affected: yes.
Comment: This variant is associated with the following publications: (PMID: 25668194)

Breakthrough Genomics
Classification: Benign. Review status: criteria provided, single submitter. Criteria: ACMG Guidelines, 2015. Collection method: not provided. Allele origin: germline. Inheritance: Autosomal recessive inheritance. Affected: yes.

Dr. Peter K. Rogan Lab, Western University
No classification provided (evidence only). Condition: Adrenocortical carcinoma, hereditary. Review status: no classification provided. Collection method: in vitro. Allele origin: not applicable. Functional consequence: retained intron. Not counted in ClinVar's aggregate classification.

Literature cited by the submitters: PubMed 25668194 (cited by Mayo Clinic Laboratories, Mayo Clinic).